The following is an entry in ClinVar:

NM_000368.5(TSC1):c.3013G>A (p.Val1005Ile)

Gene: TSC1 (TSC complex subunit 1; minus strand). Cytogenetic location: 9q34.13.
Variant type: single nucleotide variant.
Coding change: c.3013G>A on transcript NM_000368.5 (MANE Select); coding-DNA position 3013, G replaced by A.
Protein change: p.Val1005Ile; replaces valine 1005 with isoleucine.
Molecular consequence: missense variant.
Genome position (GRCh38, 1-based): chr9:132,896,717, C>T on the plus strand (G>A on the coding strand, the complement: TSC1 is on the minus strand). VCF-style: chr9-132896717-C-T. GRCh37 (hg19) VCF-style: chr9-135772104-C-T.
Other names: c.3010G>A, p.Val1004Ile (NM_001162426.2); c.2860G>A, p.Val954Ile (NM_001162427.2); c.2650G>A, p.Val884Ile (NM_001362177.2); short protein forms V884I, V1004I, V1005I, V954I.
Identifiers: ClinVar variation 822591 (VCV000822591.17), dbSNP rs1588288220, ClinGen allele CA375367906.

ClinVar aggregate classification (germline): Conflicting classifications of pathogenicity. Review status: criteria provided, conflicting classifications (1 of 4 stars). 3 submissions from 3 submitters: Uncertain significance (2); Likely benign (1). Last evaluated 2026-04-14.

Conditions:
Hereditary cancer-predisposing syndrome. Also called: Tumor predisposition; Neoplastic Syndromes, Hereditary; Hereditary neoplastic syndrome; Hereditary Cancer Syndrome. Identifiers: Orphanet 140162, MedGen C0027672, MeSH D009386, MONDO:0015356.
Tuberous sclerosis 1 (TSC1). Identifiers: Orphanet 805, MedGen C1854465, MONDO:0008612, OMIM 191100.

Submissions (3):

Ambry Genetics
Classification: Likely benign for Hereditary cancer-predisposing syndrome. Last evaluated: 2026-04-14. Review status: criteria provided, single submitter. Criteria: Ambry Variant Classification Scheme 2023. Collection method: clinical testing. Allele origin: germline.

Labcorp Genetics (formerly Invitae), Labcorp
Classification: Uncertain significance for Tuberous sclerosis 1. Last evaluated: 2024-04-01. Review status: criteria provided, single submitter. Criteria: Invitae Variant Classification Sherloc (09022015). Collection method: clinical testing. Allele origin: germline.
Comment: This sequence change replaces valine, which is neutral and non-polar, with isoleucine, which is neutral and non-polar, at codon 1005 of the TSC1 protein (p.Val1005Ile). This variant is not present in population databases (gnomAD no frequency). This variant has not been reported in the literature in individuals affected with TSC1-related conditions. ClinVar contains an entry for this variant (Variation ID: 822591). Advanced modeling of protein sequence and biophysical properties (such as structural, functional, and spatial information, amino acid conservation, physicochemical variation, residue mobility, and thermodynamic stability) performed at Invitae indicates that this missense variant is not expected to disrupt TSC1 protein function with a negative predictive value of 95%. In summary, the available evidence is currently insufficient to determine the role of this variant in disease. Therefore, it has been classified as a Variant of Uncertain Significance.

Genome-Nilou Lab
Classification: Uncertain significance for Tuberous sclerosis 1. Last evaluated: 2021-11-07. Review status: criteria provided, single submitter. Criteria: ACMG Guidelines, 2015. Collection method: clinical testing. Allele origin: germline. Affected: no.